The following is an entry in ClinVar:

ClinVar aggregate classification (germline): Uncertain significance. Review status: criteria provided, multiple submitters, no conflicts (2 of 4 stars). 2 submissions from 2 submitters: Uncertain significance (2). Last evaluated 2025-12-08.

Conditions:
Inborn genetic diseases. Identifiers: MedGen C0950123, MeSH D030342.

Allele frequency attached by ClinVar (database versions not stated): ExAC 0.00002; gnomAD exomes 0.00002; gnomAD 0.00003; TOPMed 0.00003; ESP Exome Variant Server 0.00008; 1000 Genomes Project 30x 0.00031; 1000 Genomes Project 0.00040.
gnomAD v4.1: 38 of 1,613,012 alleles (0.0024%); highest among the groups gnomAD compares: Middle Eastern, 0.033%; no homozygotes.

Submissions (2):

Ambry Genetics
Classification: Uncertain significance for Inborn genetic diseases. Last evaluated: 2025-12-08. Review status: criteria provided, single submitter. Criteria: Ambry Variant Classification Scheme 2023. Collection method: clinical testing. Allele origin: germline.

Labcorp Genetics (formerly Invitae), Labcorp
Classification: Uncertain significance. Last evaluated: 2024-08-26. Review status: criteria provided, single submitter. Criteria: Invitae Variant Classification Sherloc (09022015). Collection method: clinical testing. Allele origin: germline.
Comment: This sequence change replaces arginine, which is basic and polar, with cysteine, which is neutral and slightly polar, at codon 885 of the FOCAD protein (p.Arg885Cys). This variant is present in population databases (rs188648560, gnomAD 0.01%). This variant has not been reported in the literature in individuals affected with FOCAD-related conditions. ClinVar contains an entry for this variant (Variation ID: 2510425). Experimental studies and prediction algorithms are not available or were not evaluated, and the functional significance of this variant is currently unknown. In summary, the available evidence is currently insufficient to determine the role of this variant in disease. Therefore, it has been classified as a Variant of Uncertain Significance.

NM_001375567.1(FOCAD):c.2653C>T (p.Arg885Cys)

Gene: FOCAD (focadhesin; plus strand). Cytogenetic location: 9p21.3.
Variant type: single nucleotide variant.
Coding change: c.2653C>T on transcript NM_001375567.1 (MANE Select); coding-DNA position 2653, C replaced by T.
Protein change: p.Arg885Cys; replaces arginine 885 with cysteine.
Molecular consequence: missense variant.
Genome position (GRCh38, 1-based): chr9:20,907,177, C>T. VCF-style: chr9-20907177-C-T. GRCh37 (hg19) VCF-style: chr9-20907176-C-T.
Other names: c.2548C>T, p.Arg850Cys (NM_001375568.1, NM_001375570.1); c.2653C>T, p.Arg885Cys (NM_017794.5); short protein forms R850C, R885C.
Identifiers: ClinVar variation 2510425 (VCV002510425.5), dbSNP rs188648560, ClinGen allele CA5007206.